The following is an entry in ClinVar:

ClinVar aggregate classification (germline): Uncertain significance. Review status: criteria provided, multiple submitters, no conflicts (2 of 4 stars). 3 submissions from 3 submitters: Uncertain significance (3). Last evaluated 2025-07-16.

Conditions:
Inborn genetic diseases. Identifiers: MedGen C0950123, MeSH D030342.

Allele frequency attached by ClinVar (database versions not stated): ExAC 0.00002; TOPMed 0.00002.
gnomAD v4.1: 46 of 1,613,634 alleles (0.0029%); highest among the groups gnomAD compares: African/African-American, 0.0053%; no homozygotes.

Submissions (3):

Ambry Genetics
Classification: Uncertain significance for Inborn genetic diseases. Last evaluated: 2025-07-16. Review status: criteria provided, single submitter. Criteria: Ambry Variant Classification Scheme 2023. Collection method: clinical testing. Allele origin: germline.

Labcorp Genetics (formerly Invitae), Labcorp
Classification: Uncertain significance. Last evaluated: 2022-07-25. Review status: criteria provided, single submitter. Criteria: Invitae Variant Classification Sherloc (09022015). Collection method: clinical testing. Allele origin: germline.
Comment: This sequence change replaces valine, which is neutral and non-polar, with methionine, which is neutral and non-polar, at codon 294 of the PROM1 protein (p.Val294Met). This variant is present in population databases (rs777036344, gnomAD 0.005%). This variant has not been reported in the literature in individuals affected with PROM1-related conditions. ClinVar contains an entry for this variant (Variation ID: 1022097). Algorithms developed to predict the effect of missense changes on protein structure and function are either unavailable or do not agree on the potential impact of this missense change (SIFT: "Tolerated"; PolyPhen-2: "Probably Damaging"; Align-GVGD: "Class C0"). In summary, the available evidence is currently insufficient to determine the role of this variant in disease. Therefore, it has been classified as a Variant of Uncertain Significance.

Blueprint Genetics
Classification: Uncertain significance. Last evaluated: 2020-08-13. Review status: criteria provided, single submitter. Criteria: ACMG Guidelines, 2015. Collection method: clinical testing. Allele origin: germline.

NM_006017.3(PROM1):c.880G>A (p.Val294Met)

Gene: PROM1 (prominin 1; minus strand). Cytogenetic location: 4p15.32.
Variant type: single nucleotide variant.
Coding change: c.880G>A on transcript NM_006017.3 (MANE Select); coding-DNA position 880, G replaced by A.
Protein change: p.Val294Met; replaces valine 294 with methionine.
Molecular consequence: missense variant.
Genome position (GRCh38, 1-based): chr4:16,018,445, C>T on the plus strand (G>A on the coding strand, the complement: PROM1 is on the minus strand). VCF-style: chr4-16018445-C-T. GRCh37 (hg19) VCF-style: chr4-16020068-C-T.
Other names: c.880G>A (NM_006017.2); c.853G>A, p.Val285Met (NM_001145847.2, NM_001145848.2, NM_001145851.2 and 4 more transcripts); c.880G>A, p.Val294Met (NM_001145849.2, NM_001145850.2); short protein forms V285M, V294M.
Identifiers: ClinVar variation 1022097 (VCV001022097.10), dbSNP rs777036344, ClinGen allele CA2866928.